The following is an entry in ClinVar:

ClinVar aggregate classification (germline): Uncertain significance (1 of 4 stars; one submission).

Allele frequency attached by ClinVar (database versions not stated): gnomAD 0.00001.
gnomAD v4.1: 2 of 1,613,564 alleles (0.00012%); highest among the groups gnomAD compares: South Asian, 0.0022%; no homozygotes.

Submission:

GeneDx
Classification: Uncertain significance. Last evaluated: 2019-12-06. Review status: criteria provided, single submitter. Criteria: GeneDx Variant Classification Process June 2021. Collection method: clinical testing. Allele origin: germline. Affected: yes.
Comment: Not observed in large population cohorts (Lek et al., 2016); In silico analysis, which includes protein predictors and evolutionary conservation, supports that this variant does not alter protein structure/function; Has not been previously published as pathogenic or benign to our knowledge

NM_032043.3(BRIP1):c.1238T>A (p.Val413Asp)

Gene: BRIP1 (BRCA1 interacting DNA helicase 1; minus strand). Cytogenetic location: 17q23.2.
Variant type: single nucleotide variant.
Coding change: c.1238T>A on transcript NM_032043.3 (MANE Select); coding-DNA position 1238, T replaced by A.
Protein change: p.Val413Asp; replaces valine 413 with aspartic acid.
Molecular consequence: missense variant.
Genome position (GRCh38, 1-based): chr17:61,799,202, A>T on the plus strand (T>A on the coding strand, the complement: BRIP1 is on the minus strand). VCF-style: chr17-61799202-A-T. GRCh37 (hg19) VCF-style: chr17-59876563-A-T.
Other names: short protein forms V413D.
Identifiers: ClinVar variation 1320933 (VCV001320933.2), dbSNP rs45576134, ClinGen allele CA400483624.